The following is an entry in ClinVar:

ClinVar aggregate classification (germline): Uncertain significance. Review status: criteria provided, multiple submitters, no conflicts (2 of 4 stars). 3 submissions from 3 submitters: Uncertain significance (3). Last evaluated 2026-05-26.

Conditions:
Hereditary cancer-predisposing syndrome. Also called: Hereditary Cancer Syndrome; Neoplastic Syndromes, Hereditary; Hereditary neoplastic syndrome; Tumor predisposition. Identifiers: Orphanet 140162, MedGen C0027672, MeSH D009386, MONDO:0015356.

gnomAD v4.1: 1 of 1,614,038 alleles (0.000062%); highest among the groups gnomAD compares: African/African-American, 0.0013%; no homozygotes.

Submissions (3):

Ambry Genetics
Classification: Uncertain significance for Hereditary cancer-predisposing syndrome. Last evaluated: 2026-05-26. Review status: criteria provided, single submitter. Criteria: Ambry Variant Classification Scheme 2023. Collection method: clinical testing. Allele origin: germline.

Labcorp Genetics (formerly Invitae), Labcorp
Classification: Uncertain significance. Last evaluated: 2023-03-26. Review status: criteria provided, single submitter. Criteria: Invitae Variant Classification Sherloc (09022015). Collection method: clinical testing. Allele origin: germline.
Comment: This sequence change replaces aspartic acid, which is acidic and polar, with tyrosine, which is neutral and polar, at codon 530 of the POLE protein (p.Asp530Tyr). In summary, the available evidence is currently insufficient to determine the role of this variant in disease. Therefore, it has been classified as a Variant of Uncertain Significance. Advanced modeling of protein sequence and biophysical properties (such as structural, functional, and spatial information, amino acid conservation, physicochemical variation, residue mobility, and thermodynamic stability) performed at Invitae indicates that this missense variant is expected to disrupt POLE protein function. ClinVar contains an entry for this variant (Variation ID: 1692913). This variant has not been reported in the literature in individuals affected with POLE-related conditions. This variant is not present in population databases (gnomAD no frequency).

Sema4
Classification: Uncertain significance for Hereditary cancer-predisposing syndrome. Last evaluated: 2021-04-06. Review status: criteria provided, single submitter. Criteria: Sema4 Curation Guidelines. Collection method: curation. Allele origin: germline.
Comment: The POLE c.1588G>T (p.D530Y) variant has not been reported in the literature to our knowledge. This variant was not observed in the large and broad populations by the Genome Aggregation Database (PMID: 32461654). The variant has not been reported in Clinvar. In silico tools suggest the impact of the variant on protein function is inconclusive, though these predictions have not been confirmed by functional studies. The evidence is insufficient to meet ACMG/AMP criteria for classifying it as benign or pathogenic. In summary, the clinical significance of this variant is currently uncertain.

NM_006231.4(POLE):c.1588G>T (p.Asp530Tyr)

Gene: POLE (DNA polymerase epsilon, catalytic subunit; minus strand). Cytogenetic location: 12q24.33.
Variant type: single nucleotide variant.
Coding change: c.1588G>T on transcript NM_006231.4 (MANE Select); coding-DNA position 1588, G replaced by T.
Protein change: p.Asp530Tyr; replaces aspartic acid 530 with tyrosine.
Molecular consequence: missense variant.
Genome position (GRCh38, 1-based): chr12:132,672,725, C>A on the plus strand (G>T on the coding strand, the complement: POLE is on the minus strand). VCF-style: chr12-132672725-C-A. GRCh37 (hg19) VCF-style: chr12-133249311-C-A.
Other names: c.1588G>T (NM_006231.2); short protein forms D530Y.
Identifiers: ClinVar variation 1692913 (VCV001692913.6), dbSNP rs753660907, ClinGen allele CA387356911.